The following is an entry in ClinVar:

ClinVar aggregate classification (germline): Uncertain significance (1 of 4 stars; one submission).

Conditions:
Primary ciliary dyskinesia. Also called: Ciliary dyskinesia. Identifiers: Orphanet 244, MedGen C0008780, MONDO:0016575, HP:0012265.

Allele frequency attached by ClinVar (database versions not stated): gnomAD exomes 0.00001; gnomAD 0.00004; TOPMed 0.00004.
gnomAD v4.1: 21 of 1,613,716 alleles (0.0013%); highest among the groups gnomAD compares: Non-Finnish European, 0.0018%; no homozygotes.

Submission:

Labcorp Genetics (formerly Invitae), Labcorp
Classification: Uncertain significance for Primary ciliary dyskinesia. Last evaluated: 2022-05-23. Review status: criteria provided, single submitter. Criteria: Invitae Variant Classification Sherloc (09022015). Collection method: clinical testing. Allele origin: germline.
Comment: This variant has not been reported in the literature in individuals affected with DRC1-related conditions. In summary, the available evidence is currently insufficient to determine the role of this variant in disease. Therefore, it has been classified as a Variant of Uncertain Significance. Algorithms developed to predict the effect of missense changes on protein structure and function are either unavailable or do not agree on the potential impact of this missense change (SIFT: "Tolerated"; PolyPhen-2: "Not Available"; Align-GVGD: "Class C0"). This variant is present in population databases (no rsID available, gnomAD 0.0009%). This sequence change replaces aspartic acid, which is acidic and polar, with asparagine, which is neutral and polar, at codon 60 of the DRC1 protein (p.Asp60Asn).

NM_145038.5(DRC1):c.178G>A (p.Asp60Asn)

Gene: DRC1 (dynein regulatory complex subunit 1; plus strand). Cytogenetic location: 2p23.3.
Variant type: single nucleotide variant.
Coding change: c.178G>A on transcript NM_145038.5 (MANE Select); coding-DNA position 178, G replaced by A.
Protein change: p.Asp60Asn; replaces aspartic acid 60 with asparagine.
Molecular consequence: missense variant.
Genome position (GRCh38, 1-based): chr2:26,414,366, G>A. VCF-style: chr2-26414366-G-A. GRCh37 (hg19) VCF-style: chr2-26637234-G-A.
Other names: short protein forms D60N.
Identifiers: ClinVar variation 2187556 (VCV002187556.3), dbSNP rs927792575, ClinGen allele CA44389108.